The following is an entry in ClinVar:

NM_001136157.2(OTUD5):c.1531G>A (p.Ala511Thr)

Gene: OTUD5 (OTU deubiquitinase 5; minus strand). Cytogenetic location: Xp11.23.
Variant type: single nucleotide variant.
Coding change: c.1531G>A on transcript NM_001136157.2 (MANE Select); coding-DNA position 1531, G replaced by A.
Protein change: p.Ala511Thr; replaces alanine 511 with threonine.
Molecular consequence: missense variant.
Genome position (GRCh38, 1-based): chrX:48,923,681, C>T on the plus strand (G>A on the coding strand, the complement: OTUD5 is on the minus strand). VCF-style: chrX-48923681-C-T. GRCh37 (hg19) VCF-style: chrX-48780958-C-T.
Other names: c.1531G>A, p.Ala511Thr (NM_001136158.2); c.880G>A, p.Ala294Thr (NM_001136159.2); c.1546G>A, p.Ala516Thr (NM_017602.4); short protein forms A294T, A511T, A516T.
Identifiers: ClinVar variation 1690437 (VCV001690437.2), dbSNP rs2147522680, ClinGen allele CA412906189.

ClinVar aggregate classification (germline): Uncertain significance (1 of 4 stars; one submission).

Submission:

Laboratorio de Genetica e Diagnostico Molecular, Hospital Israelita Albert Einstein
Classification: Uncertain significance. Last evaluated: 2021-09-14. Review status: criteria provided, single submitter. Criteria: ACMG Guidelines, 2015. Collection method: clinical testing. Allele origin: germline. Affected: yes.
Comment: ACMG classification criteria: PM2, PP2, BP4